The following is an entry in ClinVar:

ClinVar aggregate classification (germline): Uncertain significance (1 of 4 stars; one submission).

Submission:

CeGaT Center for Human Genetics Tuebingen
Classification: Uncertain significance. Last evaluated: 2025-11-01. Review status: criteria provided, single submitter. Criteria: CeGaT Center For Human Genetics Tuebingen Variant Classification Criteria Version 2. Collection method: clinical testing. Allele origin: germline. Affected: yes. Observed: 1 variant allele.
Comment: NOTCH3: PM2, BP4

NM_000435.3(NOTCH3):c.6840G>A (p.Met2280Ile)

Gene: NOTCH3 (notch receptor 3; minus strand). Cytogenetic location: 19p13.12.
Variant type: single nucleotide variant.
Coding change: c.6840G>A on transcript NM_000435.3 (MANE Select); coding-DNA position 6840, G replaced by A.
Protein change: p.Met2280Ile; replaces methionine 2280 with isoleucine.
Molecular consequence: missense variant.
Genome position (GRCh38, 1-based): chr19:15,160,788, C>T on the plus strand (G>A on the coding strand, the complement: NOTCH3 is on the minus strand). VCF-style: chr19-15160788-C-T. GRCh37 (hg19) VCF-style: chr19-15271599-C-T.
Other names: short protein forms M2280I.
Identifiers: ClinVar variation 4534307 (VCV004534307.6).